The following is an entry in ClinVar:

ClinVar aggregate classification (germline): Likely pathogenic (1 of 4 stars; one submission).

Conditions:
Hereditary cancer-predisposing syndrome. Also called: Neoplastic Syndromes, Hereditary; Tumor predisposition; Hereditary Cancer Syndrome; Hereditary neoplastic syndrome. Identifiers: Orphanet 140162, MedGen C0027672, MeSH D009386, MONDO:0015356.

Submission:

Ambry Genetics
Classification: Likely pathogenic for Hereditary cancer-predisposing syndrome. Last evaluated: 2022-04-19. Review status: criteria provided, single submitter. Criteria: Ambry Variant Classification Scheme 2023. Collection method: clinical testing. Allele origin: germline.
Comment: The c.2041-7_2041-2delTTTTCAinsAT variant results from a deletion of 6 nucleotides and insertion of 2 nucleotides at positions c.2041-7 to 2041-2 and involves the canonical splice acceptor site before coding exon 12 of the DICER1 gene. The canonical splice acceptor site is highly conserved in available vertebrate species. Using the BDGP and ESEfinder splice site prediction tools, this alteration is predicted to abolish the native acceptor splice site; however, direct evidence is insufficient at this time (Ambry internal data). This variant is considered to be rare based on population cohorts in the Genome Aggregation Database (gnomAD). Alterations that disrupt the canonical splice site are expected to cause aberrant splicing, resulting in an abnormal protein or a transcript that is subject to nonsense-mediated mRNA decay. As such, this alteration is classified as likely pathogenic.

NM_177438.3(DICER1):c.2041-7_2041-2delinsAT

Gene: DICER1 (dicer 1, ribonuclease III; minus strand). Cytogenetic location: 14q32.13.
Variant type: Indel.
Coding change: c.2041-7_2041-2delinsAT on transcript NM_177438.3 (MANE Select); 7 bases into the intron before coding-DNA position 2041 through the canonical splice acceptor site of the intron before coding-DNA position 2041, TTTTCA replaced by AT.
Molecular consequence: splice acceptor variant.
Genome position (GRCh38, 1-based): chr14:95,112,249-95,112,254, TGAAAA replaced by AT on the plus strand (TTTTCA replaced by AT on the coding strand, the reverse complement: DICER1 is on the minus strand). VCF-style: chr14-95112249-TGAAAA-AT. GRCh37 (hg19) VCF-style: chr14-95578586-TGAAAA-AT.
Other names: c.2041-7_2041-2delinsAT (NM_001291628.2, NM_030621.4, NM_001395677.1 and 12 more transcripts); c.1636-7_1636-2delinsAT (NM_001395690.1, NM_001395687.1, NM_001395689.1 and 3 more transcripts); c.1759-7_1759-2delinsAT (NM_001395686.1); c.1474-7_1474-2delinsAT (NM_001395691.1); c.358-7_358-2delinsAT (NM_001395697.1).
Identifiers: ClinVar variation 1784906 (VCV001784906.2), dbSNP rs2542932578, ClinGen allele CA2580088980.